The following is an entry in ClinVar:

NM_003128.3(SPTBN1):c.2680C>G (p.Leu894Val)

Gene: SPTBN1 (spectrin beta, non-erythrocytic 1; plus strand). Cytogenetic location: 2p16.2.
Variant type: single nucleotide variant.
Coding change: c.2680C>G on transcript NM_003128.3 (MANE Select); coding-DNA position 2680, C replaced by G.
Protein change: p.Leu894Val; replaces leucine 894 with valine.
Molecular consequence: missense variant.
Genome position (GRCh38, 1-based): chr2:54,629,902, C>G. VCF-style: chr2-54629902-C-G. GRCh37 (hg19) VCF-style: chr2-54857039-C-G.
Other names: c.2641C>G, p.Leu881Val (NM_178313.3); short protein forms L881V, L894V.
Identifiers: ClinVar variation 2630244 (VCV002630244.2), dbSNP rs1678620173, ClinGen allele CA346885725.
Genomic context (GRCh38, chr2:54,629,902, plus strand): 5'-TGACCACCAGTGGCCCAGGAGGTGACCACCCTGTCAAATTGCCATTTCAGATTTGAGAGC[C>G]TAGAACCAGAAATGAACAACCAGGCTTCCCGGGTTGCAGTGGTGAACCAGATTGCACGCC-3'
Protein context (NP_003119.2, residues 884-904): LEVIQHRFES[Leu894Val]EPEMNNQASR

ClinVar aggregate classification (germline): Uncertain significance. Review status: criteria provided, multiple submitters, no conflicts (2 of 4 stars). 2 submissions from 2 submitters: Uncertain significance (2). Last evaluated 2023-10-13.

Conditions:
SPTBN1-related disorder. Also called: SPTBN1-related condition.

Allele frequency attached by ClinVar (database versions not stated): gnomAD 0.00001.
gnomAD v4.1: 1 of 1,613,934 alleles (0.000062%); highest among the groups gnomAD compares: Non-Finnish European, 0.000085%; no homozygotes.

Submissions (2):

GeneDx
Classification: Uncertain significance. Last evaluated: 2023-10-13. Review status: criteria provided, single submitter. Criteria: GeneDx Variant Classification Process June 2021. Collection method: clinical testing. Allele origin: germline. Affected: yes.
Comment: Not observed at significant frequency in large population cohorts (gnomAD); In silico analysis supports that this missense variant does not alter protein structure/function; Has not been previously published as pathogenic or benign to our knowledge

PreventionGenetics, part of Exact Sciences
Classification: Uncertain significance for SPTBN1-related condition. Last evaluated: 2023-02-20. Review status: criteria provided, single submitter. Criteria: ACMG Guidelines, 2015. Collection method: clinical testing. Allele origin: germline.
Comment: The SPTBN1 c.2680C>G variant is predicted to result in the amino acid substitution p.Leu894Val. To our knowledge, this variant has not been reported in the literature or in a large population database, indicating this variant is rare. At this time, the clinical significance of this variant is uncertain due to the absence of conclusive functional and genetic evidence.